The following is an entry in ClinVar:

NM_000264.5(PTCH1):c.3863T>A (p.Leu1288Gln)

Gene: PTCH1 (patched 1; minus strand). Cytogenetic location: 9q22.32.
Variant type: single nucleotide variant.
Coding change: c.3863T>A on transcript NM_000264.5 (MANE Select); coding-DNA position 3863, T replaced by A.
Protein change: p.Leu1288Gln; replaces leucine 1288 with glutamine.
Molecular consequence: missense variant. On other transcripts: non-coding transcript variant (1).
Genome position (GRCh38, 1-based): chr9:95,447,393, A>T on the plus strand (T>A on the coding strand, the complement: PTCH1 is on the minus strand). VCF-style: chr9-95447393-A-T. GRCh37 (hg19) VCF-style: chr9-98209675-A-T.
Other names: c.3665T>A, p.Leu1222Gln (NM_001083602.3); c.3860T>A, p.Leu1287Gln (NM_001083603.3); c.3410T>A, p.Leu1137Gln (NM_001083604.3, NM_001083605.3, NM_001083606.3 and 1 more transcripts); c.3707T>A, p.Leu1236Gln (NM_001354918.2); short protein forms L1137Q, L1236Q, L1287Q, L1288Q, L1222Q.
Identifiers: ClinVar variation 1735628 (VCV001735628.2), dbSNP rs2136583799, ClinGen allele CA374110767.

ClinVar aggregate classification (germline): Uncertain significance (1 of 4 stars; one submission).

Conditions:
Hereditary cancer-predisposing syndrome. Also called: Neoplastic Syndromes, Hereditary; Tumor predisposition; Hereditary Cancer Syndrome; Hereditary neoplastic syndrome. Identifiers: Orphanet 140162, MedGen C0027672, MeSH D009386, MONDO:0015356.

Submission:

Ambry Genetics
Classification: Uncertain significance for Hereditary cancer-predisposing syndrome. Last evaluated: 2022-04-28. Review status: criteria provided, single submitter. Criteria: Ambry Variant Classification Scheme 2023. Collection method: clinical testing. Allele origin: germline.
Comment: The p.L1288Q variant (also known as c.3863T>A), located in coding exon 23 of the PTCH1 gene, results from a T to A substitution at nucleotide position 3863. The leucine at codon 1288 is replaced by glutamine, an amino acid with dissimilar properties. This amino acid position is conserved. In addition, this alteration is predicted to be tolerated by in silico analysis. Since supporting evidence is limited at this time, the clinical significance of this alteration remains unclear.